The following is an entry in ClinVar:

NM_020191.4(MRPS22):c.502C>T (p.Arg168Trp)

Gene: MRPS22 (mitochondrial ribosomal protein S22; plus strand). Cytogenetic location: 3q23.
Variant type: single nucleotide variant.
Coding change: c.502C>T on transcript NM_020191.4 (MANE Select); coding-DNA position 502, C replaced by T.
Protein change: p.Arg168Trp; replaces arginine 168 with tryptophan.
Molecular consequence: missense variant.
Genome position (GRCh38, 1-based): chr3:139,348,322, C>T. VCF-style: chr3-139348322-C-T. GRCh37 (hg19) VCF-style: chr3-139067164-C-T.
Other names: p.R168W:CGG>TGG; c.379C>T, p.Arg127Trp (NM_001363857.1); c.499C>T, p.Arg167Trp (NM_001363893.1); short protein forms R168W, R127W, R167W.
Identifiers: ClinVar variation 214686 (VCV000214686.14), dbSNP rs544369132, ClinGen allele CA320707.

ClinVar aggregate classification (germline): Conflicting classifications of pathogenicity. Review status: criteria provided, conflicting classifications (1 of 4 stars). 5 submissions from 5 submitters: Likely pathogenic (1); Uncertain significance (4). Last evaluated 2024-03-11.

Conditions:
Ovarian dysgenesis 7. Identifiers: MedGen C4748263, MONDO:0020857, OMIM 618117.
Hypotonia with lactic acidemia and hyperammonemia. Identifiers: Orphanet 137908, MedGen C2673642, MONDO:0012718, OMIM 611719.

Allele frequency attached by ClinVar (database versions not stated): ExAC 0.00002; gnomAD 0.00002; gnomAD exomes 0.00002 and 0.00003; TOPMed 0.00003; 1000 Genomes Project 30x 0.00016; 1000 Genomes Project 0.00020.
gnomAD v4.1: 25 of 1,613,512 alleles (0.0015%); highest among the groups gnomAD compares: East Asian, 0.0089%; no homozygotes.

Submissions (6):

Labcorp Genetics (formerly Invitae), Labcorp
Classification: Uncertain significance. Last evaluated: 2024-03-11. Review status: criteria provided, single submitter. Criteria: Invitae Variant Classification Sherloc (09022015). Collection method: clinical testing. Allele origin: germline.
Comment: This sequence change replaces arginine, which is basic and polar, with tryptophan, which is neutral and slightly polar, at codon 168 of the MRPS22 protein (p.Arg168Trp). This variant is present in population databases (rs544369132, gnomAD 0.02%). This variant has not been reported in the literature in individuals affected with MRPS22-related conditions. ClinVar contains an entry for this variant (Variation ID: 214686). An algorithm developed to predict the effect of missense changes on protein structure and function (PolyPhen-2) suggests that this variant is likely to be disruptive. In summary, the available evidence is currently insufficient to determine the role of this variant in disease. Therefore, it has been classified as a Variant of Uncertain Significance.

Blueprint Genetics
Classification: Uncertain significance. Last evaluated: 2023-11-15. Review status: criteria provided, single submitter. Criteria: ACMG Guidelines, 2015. Collection method: clinical testing. Allele origin: germline.

Illumina Laboratory Services, Illumina
Classification: Uncertain significance for Hypotonia with lactic acidemia and hyperammonemia. Last evaluated: 2018-01-12. Review status: criteria provided, single submitter. Criteria: ICSL Variant Classification Criteria 13 December 2019. Collection method: clinical testing. Allele origin: germline.

GeneDx
Classification: Likely pathogenic. Last evaluated: 2015-01-23. Review status: criteria provided, single submitter. Criteria: GeneDx Variant Classification (06012015). Collection method: clinical testing. Allele origin: germline. Affected: yes.
Comment: p.Arg168Trp (CGG>TGG): c.502 C>T in exon 3 of the MRPS22 gene (NM_020191.2). The R168W variant that is likely pathogenic was identified in the MRPS22 gene. It has not been published as a mutation, nor has it been reported as a benign polymorphism to our knowledge. The R168W variant is a non-conservative amino acid substitution, which is likely to impact secondary protein structure as these residues differ in polarity, charge, size and/or other properties. This substitution occurs at a position that is conserved across species and in silico analysis predicts this variant is probably damaging to the protein structure/function. A missense mutation in a nearby residue (R170H) has been reported in association with a mitochondrial respiratory chain disorder, supporting the functional importance of this region of the protein. Therefore, this variant is a strong candidate for a pathogenic mutation, however the possibility that it is a benign variant cannot be excluded. The variant is found in MITONUC-MITOP panel(s).

Juno Genomics, Hangzhou Juno Genomics, Inc
Classification: Uncertain significance for Hypotonia with lactic acidemia and hyperammonemia; Ovarian dysgenesis 7. Review status: criteria provided, single submitter. Criteria: ACMG Guidelines, 2015. Collection method: clinical testing. Allele origin: germline.
Comment: Absent from controls (or at extremely low frequency if recessive) in Genome Aggregation Database.;Multiple lines of computational evidence support a deleterious effect on the gene or gene product.

Dr. Peter K. Rogan Lab, Western University
No classification provided (evidence only). Condition: Gastric cancer. Review status: no classification provided. Collection method: in vitro. Allele origin: not applicable. Functional consequence: retained intron. Not counted in ClinVar's aggregate classification.